The following is an entry in ClinVar:

NM_206937.2(LIG4):c.1536G>A (p.Met512Ile)

Gene: LIG4 (DNA ligase 4; minus strand). Cytogenetic location: 13q33.3.
Variant type: single nucleotide variant.
Coding change: c.1536G>A on transcript NM_206937.2 (MANE Select); coding-DNA position 1536, G replaced by A.
Protein change: p.Met512Ile; replaces methionine 512 with isoleucine.
Molecular consequence: missense variant.
Genome position (GRCh38, 1-based): chr13:108,209,733, C>T on the plus strand (G>A on the coding strand, the complement: LIG4 is on the minus strand). VCF-style: chr13-108209733-C-T. GRCh37 (hg19) VCF-style: chr13-108862081-C-T.
Other names: c.1536G>A, p.Met512Ile (NM_001098268.2, NM_001352598.2, NM_001352599.2 and 6 more transcripts); c.1335G>A, p.Met445Ile (NM_001330595.2); c.1572G>A, p.Met524Ile (NM_001352604.2); short protein forms M445I, M512I, M524I.
Identifiers: ClinVar variation 1313744 (VCV001313744.3), dbSNP rs2138972988, ClinGen allele CA388616949.

ClinVar aggregate classification (germline): Uncertain significance. Review status: criteria provided, multiple submitters, no conflicts (2 of 4 stars). 2 submissions from 2 submitters: Uncertain significance (2). Last evaluated 2022-01-02.

Conditions:
DNA ligase IV deficiency. Identifiers: Orphanet 99812, MedGen C1847827, MONDO:0011686, OMIM 606593.

Submissions (2):

Labcorp Genetics (formerly Invitae), Labcorp
Classification: Uncertain significance for DNA ligase IV deficiency. Last evaluated: 2022-01-02. Review status: criteria provided, single submitter. Criteria: Invitae Variant Classification Sherloc (09022015). Collection method: clinical testing. Allele origin: germline.
Comment: This sequence change replaces methionine, which is neutral and non-polar, with isoleucine, which is neutral and non-polar, at codon 512 of the LIG4 protein (p.Met512Ile). This variant is not present in population databases (gnomAD no frequency). This variant has not been reported in the literature in individuals affected with LIG4-related conditions. ClinVar contains an entry for this variant (Variation ID: 1313744). Algorithms developed to predict the effect of missense changes on protein structure and function (SIFT, PolyPhen-2, Align-GVGD) all suggest that this variant is likely to be tolerated. In summary, the available evidence is currently insufficient to determine the role of this variant in disease. Therefore, it has been classified as a Variant of Uncertain Significance.

GeneDx
Classification: Uncertain significance. Last evaluated: 2020-12-21. Review status: criteria provided, single submitter. Criteria: GeneDx Variant Classification Process June 2021. Collection method: clinical testing. Allele origin: germline. Affected: yes.
Comment: Not observed in large population cohorts (Lek 2016); In silico analysis supports that this missense variant does not alter protein structure/function; Has not been previously published as pathogenic or benign to our knowledge